The following is an entry in ClinVar:

ClinVar aggregate classification (germline): Uncertain significance. Review status: criteria provided, multiple submitters, no conflicts (2 of 4 stars). 2 submissions from 2 submitters: Uncertain significance (2). Last evaluated 2025-05-23.

Conditions:
Inborn genetic diseases. Identifiers: MedGen C0950123, MeSH D030342.

Allele frequency attached by ClinVar (database versions not stated): gnomAD exomes 0.00003; ExAC 0.00004; TOPMed 0.00004; gnomAD 0.00006.
gnomAD v4.1: 51 of 1,614,130 alleles (0.0032%); highest among the groups gnomAD compares: Non-Finnish European, 0.0039%; no homozygotes.

Submissions (2):

Ambry Genetics
Classification: Uncertain significance for Inborn genetic diseases. Last evaluated: 2025-05-23. Review status: criteria provided, single submitter. Criteria: Ambry Variant Classification Scheme 2023. Collection method: clinical testing. Allele origin: germline.

Labcorp Genetics (formerly Invitae), Labcorp
Classification: Uncertain significance. Last evaluated: 2024-10-16. Review status: criteria provided, single submitter. Criteria: Invitae Variant Classification Sherloc (09022015). Collection method: clinical testing. Allele origin: germline.
Comment: This sequence change replaces arginine, which is basic and polar, with glutamine, which is neutral and polar, at codon 1034 of the LRRK1 protein (p.Arg1034Gln). This variant is present in population databases (rs749693795, gnomAD 0.004%). This variant has not been reported in the literature in individuals affected with LRRK1-related conditions. ClinVar contains an entry for this variant (Variation ID: 2170399). An algorithm developed to predict the effect of missense changes on protein structure and function (PolyPhen-2) suggests that this variant is likely to be disruptive. In summary, the available evidence is currently insufficient to determine the role of this variant in disease. Therefore, it has been classified as a Variant of Uncertain Significance.

NM_024652.6(LRRK1):c.3101G>A (p.Arg1034Gln)

Genes: LRRK1 (leucine rich repeat kinase 1; plus strand), LRRK1-AS1 (LRRK1 antisense RNA 1; minus strand). Cytogenetic location: 15q26.3.
Variant type: single nucleotide variant.
Coding change: c.3101G>A on transcript NM_024652.6 (MANE Select); coding-DNA position 3101, G replaced by A.
Protein change: p.Arg1034Gln; replaces arginine 1034 with glutamine.
Molecular consequence: missense variant.
Genome position (GRCh38, 1-based): chr15:101,046,118, G>A. VCF-style: chr15-101046118-G-A. GRCh37 (hg19) VCF-style: chr15-101586323-G-A.
Other names: c.3101G>A (NM_024652.3); short protein forms R1034Q.
Identifiers: ClinVar variation 2170399 (VCV002170399.5), dbSNP rs749693795, ClinGen allele CA7761429.